The following is an entry in ClinVar:

NM_007186.6(CEP250):c.2576G>A (p.Arg859Gln)

Genes: CEP250 (centrosomal protein 250; plus strand), CEP250-AS1 (CEP250 antisense RNA 1; minus strand). Cytogenetic location: 20q11.22.
Variant type: single nucleotide variant.
Coding change: c.2576G>A on transcript NM_007186.6 (MANE Select); coding-DNA position 2576, G replaced by A.
Protein change: p.Arg859Gln; replaces arginine 859 with glutamine.
Molecular consequence: missense variant.
Genome position (GRCh38, 1-based): chr20:35,480,135, G>A. VCF-style: chr20-35480135-G-A. GRCh37 (hg19) VCF-style: chr20-34067960-G-A.
Other names: c.680G>A, p.Arg227Gln (NM_001318219.1); short protein forms R227Q, R859Q.
Identifiers: ClinVar variation 999510 (VCV000999510.8), dbSNP rs372990292, ClinGen allele CA9833212.

ClinVar aggregate classification (germline): Uncertain significance (1 of 4 stars; one submission).

Allele frequency attached by ClinVar (database versions not stated): TOPMed 0.00008; ExAC 0.00010; ESP Exome Variant Server 0.00015; 1000 Genomes Project 30x 0.00016.
gnomAD v4.1: 100 of 1,611,378 alleles (0.0062%); highest among the groups gnomAD compares: Admixed American, 0.01%; 1 homozygote.

Submission:

Labcorp Genetics (formerly Invitae), Labcorp
Classification: Uncertain significance. Last evaluated: 2024-07-29. Review status: criteria provided, single submitter. Criteria: Invitae Variant Classification Sherloc (09022015). Collection method: clinical testing. Allele origin: germline.
Comment: This sequence change replaces arginine, which is basic and polar, with glutamine, which is neutral and polar, at codon 859 of the CEP250 protein (p.Arg859Gln). This variant is present in population databases (rs372990292, gnomAD 0.01%). This variant has not been reported in the literature in individuals affected with CEP250-related conditions. ClinVar contains an entry for this variant (Variation ID: 999510). An algorithm developed to predict the effect of missense changes on protein structure and function outputs the following: PolyPhen-2: "Benign". The glutamine amino acid residue is found in multiple mammalian species, which suggests that this missense change does not adversely affect protein function. In summary, the available evidence is currently insufficient to determine the role of this variant in disease. Therefore, it has been classified as a Variant of Uncertain Significance.